The following is an entry in ClinVar:

NM_033026.6(PCLO):c.13300+1G>C

Gene: PCLO (piccolo presynaptic cytomatrix protein; minus strand). Cytogenetic location: 7q21.11.
Variant type: single nucleotide variant.
Coding change: c.13300+1G>C on transcript NM_033026.6 (MANE Select); the canonical splice donor site of the intron after coding-DNA position 13300, G replaced by C.
Molecular consequence: splice donor variant.
Genome position (GRCh38, 1-based): chr7:82,914,685, C>G on the plus strand (G>C on the coding strand, the complement: PCLO is on the minus strand). VCF-style: chr7-82914685-C-G. GRCh37 (hg19) VCF-style: chr7-82544001-C-G.
Other names: c.13300+1G>C (NM_014510.3).
Identifiers: ClinVar variation 1493018 (VCV001493018.6), dbSNP rs2116258970, ClinGen allele CA367883451.
Genomic context (GRCh38, chr7:82,914,685, plus strand): 5'-CATGCAGAAAAATAAGAGTTTGAGTTTTGAGAGTAACAGGGTAGTTTGAGGCCCAATTTA[C>G]CTTCACTGTCTGACATGGCATGTTGGAAGTCATCCATGATGAATGCTATGTCACGGTCAT-3'

ClinVar aggregate classification (germline): Likely pathogenic (1 of 4 stars; one submission).

Submission:

Labcorp Genetics (formerly Invitae), Labcorp
Classification: Likely pathogenic. Last evaluated: 2022-03-04. Review status: criteria provided, single submitter. Criteria: Invitae Variant Classification Sherloc (09022015). Collection method: clinical testing. Allele origin: germline.
Comment: This sequence change affects a donor splice site in intron 7 of the PCLO gene. It is expected to disrupt RNA splicing. Variants that disrupt the donor or acceptor splice site typically lead to a loss of protein function (PMID: 16199547), and loss-of-function variants in PCLO are known to be pathogenic (PMID: 25832664, 30287594). This variant is not present in population databases (gnomAD no frequency). This variant has not been reported in the literature in individuals affected with PCLO-related conditions. Algorithms developed to predict the effect of sequence changes on RNA splicing suggest that this variant may disrupt the consensus splice site. In summary, the currently available evidence indicates that the variant is pathogenic, but additional data are needed to prove that conclusively. Therefore, this variant has been classified as Likely Pathogenic.

Literature cited by the submitters: PubMed 16199547; PubMed 25832664; PubMed 30287594.